The following is an entry in ClinVar:

ClinVar aggregate classification (germline): Likely benign (1 of 4 stars; one submission).

Submission:

Laboratory for Molecular Medicine, Mass General Brigham Personalized Medicine
Classification: Likely benign. Last evaluated: 2015-08-26. Review status: criteria provided, single submitter. Criteria: LMM Criteria. Collection method: clinical testing. Allele origin: germline. Observed: 1 variant allele.
Comment: p.Arg1820Arg in exon 26 GPR98: This variant is not expected to have clinical sig nificance because it does not alter an amino acid residue and is not located wit hin the splice consensus sequence.

NM_032119.4(ADGRV1):c.5460G>A (p.Arg1820=)

Gene: ADGRV1 (adhesion G protein-coupled receptor V1; plus strand). Cytogenetic location: 5q14.3.
Variant type: single nucleotide variant.
Coding change: c.5460G>A on transcript NM_032119.4 (MANE Select); coding-DNA position 5460, G replaced by A.
Protein change: p.Arg1820=; no amino-acid change (arginine 1820 retained).
Molecular consequence: synonymous variant. On other transcripts: non-coding transcript variant (1).
Genome position (GRCh38, 1-based): chr5:90,679,565, G>A. VCF-style: chr5-90679565-G-A. GRCh37 (hg19) VCF-style: chr5-89975382-G-A.
Identifiers: ClinVar variation 227409 (VCV000227409.4), dbSNP rs876657473, ClinGen allele CA10576665.